The following is an entry in ClinVar:

ClinVar aggregate classification (germline): Likely benign (1 of 4 stars; one submission).

Submission:

GeneDx
Classification: Likely benign. Last evaluated: 2017-02-01. Review status: criteria provided, single submitter. Criteria: GeneDx Variant Classification (06012015). Collection method: clinical testing. Allele origin: germline. Affected: yes.
Comment: This variant is considered likely benign or benign based on one or more of the following criteria: it is a conservative change, it occurs at a poorly conserved position in the protein, it is predicted to be benign by multiple in silico algorithms, and/or has population frequency not consistent with disease.

NM_005902.4(SMAD3):c.400+14C>T

Gene: SMAD3 (SMAD family member 3; plus strand). Cytogenetic location: 15q22.33.
Variant type: single nucleotide variant.
Coding change: c.400+14C>T on transcript NM_005902.4 (MANE Select); 14 bases into the intron after coding-DNA position 400, C replaced by T.
Molecular consequence: intron variant.
Genome position (GRCh38, 1-based): chr15:67,165,102, C>T. VCF-style: chr15-67165102-C-T. GRCh37 (hg19) VCF-style: chr15-67457440-C-T.
Other names: c.85+14C>T (NM_001145102.2); c.268+14C>T (NM_001145103.2).
Identifiers: ClinVar variation 507175 (VCV000507175.1), dbSNP rs1555412095, ClinGen allele CA658798393.